The following is an entry in ClinVar:

ClinVar aggregate classification (germline): Conflicting classifications of pathogenicity. Review status: criteria provided, conflicting classifications (1 of 4 stars). 3 submissions from 3 submitters: Uncertain significance (2); Likely benign (1). Last evaluated 2024-11-18.

Conditions:
Fanconi anemia (FA). Also called: Fanconi's anemia. Identifiers: Orphanet 84, MedGen C0015625, MeSH D005199, MONDO:0019391.
Fanconi anemia complementation group D2. Also called: FANCD2-Related Fanconi Anemia; FANCONI PANCYTOPENIA, TYPE 4; FANCONI ANEMIA, COMPLEMENTATION GROUP D. Identifiers: Orphanet 84, MedGen C3160738, MONDO:0009214, OMIM 227646.

Allele frequency attached by ClinVar (database versions not stated): TOPMed 0.00001; ExAC 0.00003; gnomAD exomes 0.00004.
gnomAD v4.1: 67 of 1,613,714 alleles (0.0042%); highest among the groups gnomAD compares: Middle Eastern, 0.017%; no homozygotes.

Submissions (3):

Blueprint Genetics
Classification: Likely benign. Last evaluated: 2024-11-18. Review status: criteria provided, single submitter. Criteria: ACMG Guidelines, 2015. Collection method: clinical testing. Allele origin: germline.

Labcorp Genetics (formerly Invitae), Labcorp
Classification: Uncertain significance for Fanconi anemia. Last evaluated: 2022-07-09. Review status: criteria provided, single submitter. Criteria: Invitae Variant Classification Sherloc (09022015). Collection method: clinical testing. Allele origin: germline.
Comment: This sequence change replaces threonine, which is neutral and polar, with isoleucine, which is neutral and non-polar, at codon 914 of the FANCD2 protein (p.Thr914Ile). This variant is present in population databases (rs764903036, gnomAD 0.006%), including at least one homozygous and/or hemizygous individual. This variant has not been reported in the literature in individuals affected with FANCD2-related conditions. ClinVar contains an entry for this variant (Variation ID: 1408038). Algorithms developed to predict the effect of missense changes on protein structure and function (SIFT, PolyPhen-2, Align-GVGD) all suggest that this variant is likely to be tolerated. In summary, the available evidence is currently insufficient to determine the role of this variant in disease. Therefore, it has been classified as a Variant of Uncertain Significance.

Fulgent Genetics
Classification: Uncertain significance for Fanconi anemia complementation group D2. Last evaluated: 2022-01-19. Review status: criteria provided, single submitter. Criteria: ACMG Guidelines, 2015. Collection method: clinical testing. Allele origin: unknown.

NM_001018115.3(FANCD2):c.2741C>T (p.Thr914Ile)

Genes: FANCD2 (FA complementation group D2; plus strand), LOC107303338 (3p25 FANCD2 Alu-mediated recombination region; plus strand). Cytogenetic location: 3p25.3.
Variant type: single nucleotide variant.
Coding change: c.2741C>T on transcript NM_001018115.3 (MANE Select); coding-DNA position 2741, C replaced by T.
Protein change: p.Thr914Ile; replaces threonine 914 with isoleucine.
Molecular consequence: missense variant.
Genome position (GRCh38, 1-based): chr3:10,074,555, C>T. VCF-style: chr3-10074555-C-T. GRCh37 (hg19) VCF-style: chr3-10116239-C-T.
Other names: c.2741C>T, p.Thr914Ile (NM_001319984.2, NM_001374254.1, NM_033084.6); c.2630C>T, p.Thr877Ile (NM_001374253.1); short protein forms T877I, T914I.
Identifiers: ClinVar variation 1408038 (VCV001408038.5), dbSNP rs764903036, ClinGen allele CA2250178.